The following is an entry in ClinVar:

NM_020822.3(KCNT1):c.200G>C (p.Arg67Pro)

Gene: KCNT1 (potassium sodium-activated channel subfamily T member 1; plus strand). Cytogenetic location: 9q34.3.
Variant type: single nucleotide variant.
Coding change: c.200G>C on transcript NM_020822.3 (MANE Select); coding-DNA position 200, G replaced by C.
Protein change: p.Arg67Pro; replaces arginine 67 with proline.
Molecular consequence: missense variant. On other transcripts: intron variant (1).
Genome position (GRCh38, 1-based): chr9:135,714,666, G>C. VCF-style: chr9-135714666-G-C. GRCh37 (hg19) VCF-style: chr9-138606512-G-C.
Other names: c.110+12298G>C (NM_001272003.2); short protein forms R67P.
Identifiers: ClinVar variation 3391658 (VCV003391658.3).

ClinVar aggregate classification (germline): Uncertain significance. Review status: criteria provided, multiple submitters, no conflicts (2 of 4 stars). 2 submissions from 2 submitters: Uncertain significance (2). Last evaluated 2024-09-21.

Conditions:
Autosomal dominant nocturnal frontal lobe epilepsy 5. Also called: CILIARY DYSKINESIA, PRIMARY, 28, WITHOUT SITUS INVERSUS; CILIARY DYSKINESIA, PRIMARY, 28, WITH SITUS INVERSUS; KCNT1-Related Epilepsy; Epilepsy, nocturnal frontal lobe, 5. Identifiers: Orphanet 98784, MedGen C3554306, MONDO:0014002, OMIM 615005.
Developmental and epileptic encephalopathy, 14 (DEE14). Also called: Early infantile epileptic encephalopathy 14. Identifiers: Orphanet 293181, MedGen C3554195, MONDO:0013989, OMIM 614959.

Submissions (2):

Labcorp Genetics (formerly Invitae), Labcorp
Classification: Uncertain significance for Autosomal dominant nocturnal frontal lobe epilepsy 5; Developmental and epileptic encephalopathy, 14. Last evaluated: 2024-09-21. Review status: criteria provided, single submitter. Criteria: Invitae Variant Classification Sherloc (09022015). Collection method: clinical testing. Allele origin: germline.
Comment: This sequence change replaces arginine, which is basic and polar, with proline, which is neutral and non-polar, at codon 67 of the KCNT1 protein (p.Arg67Pro). This variant is not present in population databases (gnomAD no frequency). This variant has not been reported in the literature in individuals affected with KCNT1-related conditions. Invitae Evidence Modeling of protein sequence and biophysical properties (such as structural, functional, and spatial information, amino acid conservation, physicochemical variation, residue mobility, and thermodynamic stability) has been performed for this missense variant. However, the output from this modeling did not meet the statistical confidence thresholds required to predict the impact of this variant on KCNT1 protein function. In summary, the available evidence is currently insufficient to determine the role of this variant in disease. Therefore, it has been classified as a Variant of Uncertain Significance.

GeneDx
Classification: Uncertain significance. Last evaluated: 2024-06-18. Review status: criteria provided, single submitter. Criteria: GeneDx Variant Classification Process June 2021. Collection method: clinical testing. Allele origin: germline. Affected: yes.
Comment: Not observed at significant frequency in large population cohorts (gnomAD); In silico analysis supports that this missense variant has a deleterious effect on protein structure/function; Has not been previously published as pathogenic or benign to our knowledge